The following is an entry in ClinVar:

NM_000313.4(PROS1):c.2000_2001inv (p.Pro667Leu)

Gene: PROS1 (protein S; minus strand). Cytogenetic location: 3q11.1.
Variant type: Inversion.
Coding change: c.2000_2001inv on transcript NM_000313.4 (MANE Select).
Protein change: p.Pro667Leu; replaces proline 667 with leucine.
Molecular consequence: missense variant.
Genome position: GRCh38 VCF-style: chr3-93874275-TG-CA. GRCh37 (hg19) VCF-style: chr3-93593119-TG-CA.
Other names: c.2000_2001delinsTG (NM_000313.3); c.2096_2097inv, p.Pro699Leu (NM_001314077.2); short protein forms P699L, P667L.
Identifiers: ClinVar variation 1523041 (VCV001523041.9), ClinGen allele CA2573137476.

ClinVar aggregate classification (germline): Conflicting classifications of pathogenicity. Review status: criteria provided, conflicting classifications (1 of 4 stars). 2 submissions from 2 submitters: Likely pathogenic (1); Uncertain significance (1). Last evaluated 2025-12-03.

Conditions:
PROS1-related disorder. Also called: PROS1-related condition.
Thrombophilia due to protein S deficiency, autosomal recessive (THPH6). Identifiers: Orphanet 743, MedGen C3281092, MONDO:0013791, OMIM 614514. Disease mechanism: loss of function.

Submissions (2):

Labcorp Genetics (formerly Invitae), Labcorp
Classification: Likely pathogenic for Thrombophilia due to protein S deficiency, autosomal recessive. Last evaluated: 2025-12-03. Review status: criteria provided, single submitter. Criteria: Invitae Variant Classification Sherloc (09022015). Collection method: clinical testing. Allele origin: germline.
Comment: This sequence change replaces proline, which is neutral and non-polar, with leucine, which is neutral and non-polar, at codon 667 of the PROS1 protein (p.Pro667Leu). Information on the frequency of this variant in the gnomAD database is not available, as this variant may be reported differently in the database. This missense change has been observed in individuals with protein S deficiency (PMID: 10790208, 20181378, 29748776, 30669159; internal data). This variant is also known as P626L. ClinVar contains an entry for this variant (Variation ID: 1523041). An algorithm developed to predict the effect of missense changes on protein structure and function (PolyPhen-2) suggests that this variant is likely to be disruptive. Experimental studies have shown that this missense change affects PROS1 function (PMID: 20181378). In summary, the currently available evidence indicates that the variant is pathogenic, but additional data are needed to prove that conclusively. Therefore, this variant has been classified as Likely Pathogenic.

PreventionGenetics, part of Exact Sciences
Classification: Uncertain significance for PROS1-related condition. Last evaluated: 2024-10-31. Review status: criteria provided, single submitter. Criteria: ACMG Guidelines, 2015. Collection method: clinical testing. Allele origin: germline.
Comment: The PROS1 c.2000_2001delinsTG variant is predicted to result in an in-frame deletion and insertion. To our knowledge, this variant has not been reported in the literature or in a large population database (gnomAD), indicating this variant is rare. A different nucleotide change leading to the same amino acid substitution, c.2000C>T (p.Pro667Leu) has been reported in patients with Protein S deficiency (Li et al. 2019. PubMed ID: 30669159; reported as P626L using legacy nomenclature in Espinosa-Parrilla et al. 2000. PubMed ID: 10790208). Although we suspect that this variant may be pathogenic, at this time, the clinical significance of this variant is uncertain due to the absence of conclusive functional and genetic evidence.

Literature cited by the submitters: PubMed 10790208 (cited by Labcorp Genetics (formerly Invitae), Labcorp); PubMed 20181378 (cited by Labcorp Genetics (formerly Invitae), Labcorp); PubMed 29748776 (cited by Labcorp Genetics (formerly Invitae), Labcorp); PubMed 30669159 (cited by Labcorp Genetics (formerly Invitae), Labcorp).